The following is an entry in ClinVar:

NM_005120.3(MED12):c.3209+7G>T

Gene: MED12 (mediator complex subunit 12; plus strand). Cytogenetic location: Xq13.1.
Variant type: single nucleotide variant.
Coding change: c.3209+7G>T on transcript NM_005120.3 (MANE Select); 7 bases into the intron after coding-DNA position 3209, G replaced by T.
Molecular consequence: intron variant.
Genome position (GRCh38, 1-based): chrX:71,128,127, G>T. VCF-style: chrX-71128127-G-T. GRCh37 (hg19) VCF-style: chrX-70347977-G-T.
Identifiers: ClinVar variation 1485926 (VCV001485926.6), dbSNP rs2147801168, ClinGen allele CA2573159587.

ClinVar aggregate classification (germline): Uncertain significance (1 of 4 stars; one submission).

Conditions:
FG syndrome (FGS). Identifiers: MedGen C0220769, MONDO:0002010.

Submission:

Labcorp Genetics (formerly Invitae), Labcorp
Classification: Uncertain significance for FG syndrome. Last evaluated: 2021-08-24. Review status: criteria provided, single submitter. Criteria: Invitae Variant Classification Sherloc (09022015). Collection method: clinical testing. Allele origin: germline.
Comment: This sequence change falls in intron 22 of the MED12 gene. It does not directly change the encoded amino acid sequence of the MED12 protein. This variant is not present in population databases (ExAC no frequency). This variant has not been reported in the literature in individuals affected with MED12-related conditions. Algorithms developed to predict the effect of sequence changes on RNA splicing suggest that this variant may create or strengthen a splice site. In summary, the available evidence is currently insufficient to determine the role of this variant in disease. Therefore, it has been classified as a Variant of Uncertain Significance.